The following is an entry in ClinVar:

ClinVar aggregate classification (germline): Uncertain significance. Review status: criteria provided, multiple submitters, no conflicts (2 of 4 stars). 2 submissions from 2 submitters: Uncertain significance (2). Last evaluated 2024-10-15.

Conditions:
Mosaic variegated aneuploidy syndrome 2 (MVA2). Identifiers: Orphanet 1052, MedGen C3279843, MONDO:0013582, OMIM 614114.
Inborn genetic diseases. Identifiers: MedGen C0950123, MeSH D030342.

Allele frequency attached by ClinVar (database versions not stated): gnomAD exomes below 0.00001.
gnomAD v4.1: 2 of 1,612,724 alleles (0.00012%); highest among the groups gnomAD compares: East Asian, 0.0022%; no homozygotes.

Submissions (2):

Ambry Genetics
Classification: Uncertain significance for Inborn genetic diseases. Last evaluated: 2024-10-15. Review status: criteria provided, single submitter. Criteria: Ambry Variant Classification Scheme 2023. Collection method: clinical testing. Allele origin: germline.
Comment: The p.K248E variant (also known as c.742A>G), located in coding exon 7 of the CEP57 gene, results from an A to G substitution at nucleotide position 742. The lysine at codon 248 is replaced by glutamic acid, an amino acid with similar properties. This amino acid position is conserved. In addition, this alteration is predicted to be tolerated by in silico analysis. Based on the available evidence, the clinical significance of this variant remains unclear.

Labcorp Genetics (formerly Invitae), Labcorp
Classification: Uncertain significance for Mosaic variegated aneuploidy syndrome 2. Last evaluated: 2020-03-01. Review status: criteria provided, single submitter. Criteria: Invitae Variant Classification Sherloc (09022015). Collection method: clinical testing. Allele origin: germline.
Comment: Algorithms developed to predict the effect of missense changes on protein structure and function (SIFT, PolyPhen-2, Align-GVGD) all suggest that this variant is likely to be tolerated, but these predictions have not been confirmed by published functional studies and their clinical significance is uncertain. This variant has not been reported in the literature in individuals with CEP57-related conditions. This variant is not present in population databases (ExAC no frequency). This sequence change replaces lysine with glutamic acid at codon 248 of the CEP57 protein (p.Lys248Glu). The lysine residue is moderately conserved and there is a small physicochemical difference between lysine and glutamic acid. In summary, the available evidence is currently insufficient to determine the role of this variant in disease. Therefore, it has been classified as a Variant of Uncertain Significance.

NM_014679.5(CEP57):c.742A>G (p.Lys248Glu)

Gene: CEP57 (centrosomal protein 57; plus strand). Cytogenetic location: 11q21.
Variant type: single nucleotide variant.
Coding change: c.742A>G on transcript NM_014679.5 (MANE Select); coding-DNA position 742, A replaced by G.
Protein change: p.Lys248Glu; replaces lysine 248 with glutamic acid.
Molecular consequence: missense variant.
Genome position (GRCh38, 1-based): chr11:95,821,913, A>G. VCF-style: chr11-95821913-A-G. GRCh37 (hg19) VCF-style: chr11-95555077-A-G.
Other names: c.715A>G, p.Lys239Glu (NM_001243776.2); c.742A>G, p.Lys248Glu (NM_001243777.2); c.661A>G, p.Lys221Glu (NM_001363604.2); c.742A>G (NM_014679.4); short protein forms K221E, K239E, K248E.
Identifiers: ClinVar variation 1059495 (VCV001059495.10), dbSNP rs2135352017, ClinGen allele CA382405150.